The following is an entry in ClinVar:

ClinVar aggregate classification (germline): Likely pathogenic (1 of 4 stars; one submission).

Submission:

Mayo Clinic Laboratories, Mayo Clinic
Classification: Likely pathogenic. Last evaluated: 2023-01-27. Review status: criteria provided, single submitter. Criteria: ACMG Guidelines, 2015. Collection method: clinical testing. Allele origin: germline. Observed: 1 variant allele.
Comment: PM2, PVS1

NM_001042492.3(NF1):c.6320_6345dup (p.Leu2116_Ser2117insLeuSerTer)

Gene: NF1 (neurofibromin 1; plus strand). Cytogenetic location: 17q11.2.
Variant type: Duplication.
Coding change: c.6320_6345dup on transcript NM_001042492.3 (MANE Select); coding-DNA positions 6320 to 6345, 26 bases duplicated (TTACTTTCTTAGTAGCCACAGGTCCG).
Protein change: p.Leu2116_Ser2117insLeuSerTer.
Molecular consequence: nonsense, inframe insertion. On other transcripts: frameshift variant (1).
Genome position (GRCh38, 1-based): chr17:31,336,807-31,336,832, TTACTTTCTTAGTAGCCACAGGTCCG duplicated; duplicating any 26 consecutive bases within chr17:31,336,806-31,336,832 gives the same sequence; the c. name uses the placement nearest the transcript's 3' end. VCF-style (leftmost placement, unchanged base first): chr17-31336805-T-TGTTACTTTCTTAGTAGCCACAGGTCC. GRCh37 (hg19) VCF-style: chr17-29663823-T-TGTTACTTTCTTAGTAGCCACAGGTCC.
Other names: p.Ser2096Leufs*3; c.6257_6282dup, p.Ser2096Leufs (NM_000267.4).
Identifiers: ClinVar variation 2682687 (VCV002682687.1), dbSNP rs2508749399, ClinGen allele CA2697559649.
Genomic context (GRCh38, chr17:31,336,805, plus strand): 5'-GATGCTGTCCTTCAACAATTCCCTTGATGTGGCAGCTCATCTTCCCTACCTCTTCCACGT[T>TGTTACTTTCTTAGTAGCCACAGGTCC]GTTACTTTCTTAGTAGCCACAGGTCCGCTCTCCCTTAGAGCTTCCACACATGGACTGGTC-3'